The following is an entry in ClinVar:

ClinVar aggregate classification (germline): Uncertain significance (1 of 4 stars; one submission).

Conditions:
Hereditary cancer-predisposing syndrome. Also called: Hereditary neoplastic syndrome; Neoplastic Syndromes, Hereditary; Tumor predisposition; Hereditary Cancer Syndrome. Identifiers: Orphanet 140162, MedGen C0027672, MeSH D009386, MONDO:0015356.

Submission:

Ambry Genetics
Classification: Uncertain significance for Hereditary cancer-predisposing syndrome. Last evaluated: 2025-08-27. Review status: criteria provided, single submitter. Criteria: Ambry Variant Classification Scheme 2023. Collection method: clinical testing. Allele origin: germline.
Comment: The p.A308G variant (also known as c.923C>G), located in coding exon 10 of the MUTYH gene, results from a C to G substitution at nucleotide position 923. The alanine at codon 308 is replaced by glycine, an amino acid with similar properties. This amino acid position is conserved. In addition, the in silico prediction for this alteration is inconclusive. Based on the available evidence, the clinical significance of this variant remains unclear.

NM_001048174.2(MUTYH):c.839C>G (p.Ala280Gly)

Gene: MUTYH (mutY DNA glycosylase; minus strand). Cytogenetic location: 1p34.1.
Variant type: single nucleotide variant.
Coding change: c.839C>G on transcript NM_001048174.2 (MANE Select); coding-DNA position 839, C replaced by G.
Protein change: p.Ala280Gly; replaces alanine 280 with glycine.
Molecular consequence: missense variant. On other transcripts: non-coding transcript variant (7).
Genome position (GRCh38, 1-based): chr1:45,332,176, G>C on the plus strand (C>G on the coding strand, the complement: MUTYH is on the minus strand). VCF-style: chr1-45332176-G-C. GRCh37 (hg19) VCF-style: chr1-45797848-G-C.
Other names: c.839C>G, p.Ala280Gly (NM_001048171.2, NM_001407070.1, NM_001407072.1 and 6 more transcripts); c.563C>G, p.Ala188Gly (NM_001293196.2, NM_001293192.2, NM_001407091.1); c.494C>G, p.Ala165Gly (NM_001350650.2, NM_001350651.2, NM_001407082.1); c.872C>G, p.Ala291Gly (NM_001407069.1, NM_001407077.1, NM_001293191.2); c.842C>G, p.Ala281Gly (NM_001407071.1, NM_001048172.2, NM_001407078.1 and 1 more transcripts); c.755C>G, p.Ala252Gly (NM_001407075.1); c.923C>G, p.Ala308Gly (NM_001128425.2); c.884C>G, p.Ala295Gly (NM_001293190.2); and 5 more; short protein forms A291G, A281G, A295G, A305G, A308G, A165G, A252G, A267G.
Identifiers: ClinVar variation 4113909 (VCV004113909.1).